The following is an entry in ClinVar:

NM_005588.3(MEP1A):c.2076G>A (p.Ala692=)

Gene: MEP1A (meprin A subunit alpha; plus strand). Cytogenetic location: 6p12.3.
Variant type: single nucleotide variant.
Coding change: c.2076G>A on transcript NM_005588.3 (MANE Select); coding-DNA position 2076, G replaced by A.
Protein change: p.Ala692=; no amino-acid change (alanine 692 retained).
Molecular consequence: synonymous variant.
Genome position (GRCh38, 1-based): chr6:46,835,541, G>A. VCF-style: chr6-46835541-G-A. GRCh37 (hg19) VCF-style: chr6-46803278-G-A.
Identifiers: ClinVar variation 2656632 (VCV002656632.24), dbSNP rs373369685, ClinGen allele CA3841279.

ClinVar aggregate classification (germline): Likely benign (1 of 4 stars; one submission).

Allele frequency attached by ClinVar (database versions not stated): TOPMed 0.00003; gnomAD 0.00021; ExAC 0.00053; 1000 Genomes Project 0.00120; 1000 Genomes Project 30x 0.00141.
gnomAD v4.1: 359 of 1,613,410 alleles (0.022%); highest among the groups gnomAD compares: South Asian, 0.3%; 4 homozygotes.

Submission:

CeGaT Center for Human Genetics Tuebingen
Classification: Likely benign. Last evaluated: 2023-03-01. Review status: criteria provided, single submitter. Criteria: CeGaT Center For Human Genetics Tuebingen Variant Classification Criteria Version 2. Collection method: clinical testing. Allele origin: germline. Affected: yes. Observed: 1 variant allele.
Comment: MEP1A: BP4, BP7